The following is an entry in ClinVar:

ClinVar aggregate classification (germline): Conflicting classifications of pathogenicity. Review status: criteria provided, conflicting classifications (1 of 4 stars). 4 submissions from 4 submitters: Uncertain significance (1); Benign (1); Likely benign (2). Last evaluated 2026-06-17.

Conditions:
Gastrointestinal stromal tumor. Also called: Gastrointestinal stroma tumor; Gastrointestinal stromal tumor, somatic. Identifiers: Orphanet 44890, MedGen C0238198, MeSH D046152, MONDO:0011719, OMIM 606764, HP:0100723.
Hereditary cancer-predisposing syndrome. Also called: Neoplastic Syndromes, Hereditary; Hereditary Cancer Syndrome; Hereditary neoplastic syndrome; Tumor predisposition. Identifiers: Orphanet 140162, MedGen C0027672, MeSH D009386, MONDO:0015356.
Polyps, multiple and recurrent inflammatory fibroid, gastrointestinal. Identifiers: MedGen C5193005, MONDO:0008285, OMIM 175510.

Allele frequency attached by ClinVar (database versions not stated): gnomAD exomes below 0.00001.
gnomAD v4.1: 3 of 1,614,120 alleles (0.00019%); highest among the groups gnomAD compares: Non-Finnish European, 0.00017%; no homozygotes.

Submissions (4):

Myriad Genetics, Inc.
Classification: Benign for Polyps, multiple and recurrent inflammatory fibroid, gastrointestinal. Last evaluated: 2026-06-17. Review status: criteria provided, single submitter. Criteria: Myriad Autosomal Dominant, Autosomal Recessive and X-Linked Classification Criteria (2023). Collection method: clinical testing. Allele origin: unknown.
Comment: This variant is considered benign. This variant is a silent/synonymous amino acid change and it is not expected to impact splicing.

Labcorp Genetics (formerly Invitae), Labcorp
Classification: Likely benign for Gastrointestinal stromal tumor. Last evaluated: 2024-08-19. Review status: criteria provided, single submitter. Criteria: Invitae Variant Classification Sherloc (09022015). Collection method: clinical testing. Allele origin: germline.

GeneDx
Classification: Uncertain significance. Last evaluated: 2023-07-10. Review status: criteria provided, single submitter. Criteria: GeneDx Variant Classification Process June 2021. Collection method: clinical testing. Allele origin: germline. Affected: yes.
Comment: Not observed at significant frequency in large population cohorts (gnomAD); In silico analysis supports that this variant does not alter splicing; Has not been previously published as pathogenic or benign to our knowledge

Ambry Genetics
Classification: Likely benign for Hereditary cancer-predisposing syndrome. Last evaluated: 2022-10-08. Review status: criteria provided, single submitter. Criteria: Ambry Variant Classification Scheme 2023. Collection method: clinical testing. Allele origin: germline.

NM_006206.6(PDGFRA):c.1440C>T (p.Asp480=)

Gene: PDGFRA (platelet derived growth factor receptor alpha; plus strand). Cytogenetic location: 4q12.
Variant type: single nucleotide variant.
Coding change: c.1440C>T on transcript NM_006206.6 (MANE Select); coding-DNA position 1440, C replaced by T.
Protein change: p.Asp480=; no amino-acid change (aspartic acid 480 retained).
Molecular consequence: synonymous variant.
Genome position (GRCh38, 1-based): chr4:54,273,612, C>T. VCF-style: chr4-54273612-C-T. GRCh37 (hg19) VCF-style: chr4-55139779-C-T.
Other names: c.1440C>T, p.Asp480= (NM_001347827.2, NM_001347829.2); c.1515C>T, p.Asp505= (NM_001347828.2); c.1479C>T, p.Asp493= (NM_001347830.2).
Identifiers: ClinVar variation 1125530 (VCV001125530.13), dbSNP rs144723510, ClinGen allele CA2922570.